The following is an entry in ClinVar:

ClinVar aggregate classification (germline): Uncertain significance. Review status: criteria provided, multiple submitters, no conflicts (2 of 4 stars). 4 submissions from 4 submitters: Uncertain significance (4). Last evaluated 2026-09-14.

Conditions:
Osteogenesis imperfecta type I (OI1). Also called: Osteogenesis imperfecta type 1; Lobstein disease; Classic Non-deforming Osteogenesis Imperfecta with Blue Sclerae; Lobstein's Disease; OI, TYPE I; OSTEOGENESIS IMPERFECTA TARDA. Identifiers: Orphanet 216796, Orphanet 666, MedGen C0023931, MONDO:0008146, OMIM 166200. Disease mechanism: loss of function.
Ehlers-Danlos syndrome, classic type, 1 (EDSCL1). Also called: Ehlers-Danlos Syndrome, Classic Type, COL5A1-Related; Ehlers-Danlos syndrome, type 1; EDS I; EHLERS-DANLOS SYNDROME, GRAVIS TYPE; EHLERS-DANLOS SYNDROME, SEVERE CLASSIC TYPE. Identifiers: MedGen C0268335, MONDO:0019567, OMIM 130000.
Cardiovascular phenotype. Identifiers: MedGen CN230736.

Allele frequency attached by ClinVar (database versions not stated): gnomAD exomes 0.00001; TOPMed below 0.00001; ExAC 0.00001.

Submissions (4):

Ambry Genetics
Classification: Uncertain significance for Cardiovascular phenotype. Last evaluated: 2026-09-14. Review status: criteria provided, single submitter. Criteria: Ambry Variant Classification Scheme 2023. Collection method: clinical testing. Allele origin: germline.
Comment: The p.V1135A variant (also known as c.3404T>C), located in coding exon 49 of the COL1A2 gene, results from a T to C substitution at nucleotide position 3404. The valine at codon 1135 is replaced by alanine, an amino acid with similar properties. This amino acid position is highly conserved in available vertebrate species. In addition, this alteration is predicted to be deleterious by in silico analysis. Based on the available evidence, the clinical significance of this variant remains unclear.

Labcorp Genetics (formerly Invitae), Labcorp
Classification: Uncertain significance for Osteogenesis imperfecta type I; Ehlers-Danlos syndrome, classic type, 1. Last evaluated: 2026-01-14. Review status: criteria provided, single submitter. Criteria: Invitae Variant Classification Sherloc (09022015). Collection method: clinical testing. Allele origin: germline.
Comment: This sequence change replaces valine, which is neutral and non-polar, with alanine, which is neutral and non-polar, at codon 1135 of the COL1A2 protein (p.Val1135Ala). This variant is present in population databases (rs779411376, gnomAD 0.003%). This variant has not been reported in the literature in individuals affected with COL1A2-related conditions. ClinVar contains an entry for this variant (Variation ID: 1408942). Invitae Evidence Modeling of protein sequence and biophysical properties (such as structural, functional, and spatial information, amino acid conservation, physicochemical variation, residue mobility, and thermodynamic stability) indicates that this missense variant is not expected to disrupt COL1A2 protein function with a negative predictive value of 80%. In summary, the available evidence is currently insufficient to determine the role of this variant in disease. Therefore, it has been classified as a Variant of Uncertain Significance.

Women's Health and Genetics/Laboratory Corporation of America, LabCorp
Classification: Uncertain significance. Last evaluated: 2025-07-16. Review status: criteria provided, single submitter. Criteria: LabCorp Variant Classification Summary - May 2015. Collection method: clinical testing. Allele origin: germline.
Comment: Variant summary: COL1A2 c.3404T>C (p.Val1135Ala) results in a non-conservative amino acid change in the encoded protein sequence. Algorithms developed to predict the effect of missense changes on protein structure and function all suggest that this variant is likely to be disruptive. The variant allele was found at a frequency of 1.2e-05 in 251028 control chromosomes. The available data on variant occurrences in the general population are insufficient to allow any conclusion about variant significance. To our knowledge, no occurrence of c.3404T>C in individuals affected with Ehlers-Danlos syndrome, cardiac valvular type and no experimental evidence demonstrating its impact on protein function have been reported. ClinVar contains an entry for this variant (Variation ID: 1408942). Based on the evidence outlined above, the variant was classified as uncertain significance.

Blueprint Genetics
Classification: Uncertain significance. Last evaluated: 2024-10-07. Review status: criteria provided, single submitter. Criteria: ACMG Guidelines, 2015. Collection method: clinical testing. Allele origin: germline.

NM_000089.4(COL1A2):c.3404T>C (p.Val1135Ala)

Gene: COL1A2 (collagen type I alpha 2 chain; plus strand). Cytogenetic location: 7q21.3.
Variant type: single nucleotide variant.
Coding change: c.3404T>C on transcript NM_000089.4 (MANE Select); coding-DNA position 3404, T replaced by C.
Protein change: p.Val1135Ala; replaces valine 1135 with alanine.
Molecular consequence: missense variant.
Genome position (GRCh38, 1-based): chr7:94,427,763, T>C. VCF-style: chr7-94427763-T-C. GRCh37 (hg19) VCF-style: chr7-94057075-T-C.
Other names: c.3404T>C (NM_000089.3); short protein forms V1135A.
Identifiers: ClinVar variation 1408942 (VCV001408942.9), dbSNP rs779411376, ClinGen allele CA4347752.
Genomic context (GRCh38, chr7:94,427,763, plus strand): 5'-ACTTCTACAGGGCTGACCAGCCTCGCTCAGCACCTTCTCTCAGACCCAAGGACTATGAAG[T>C]TGATGCTACTCTGAAGTCTCTCAACAACCAGATTGAGACCCTTCTTACTCCTGAAGGCTC-3'
Protein context (NP_000080.2, residues 1125-1145): APSLRPKDYE[Val1135Ala]DATLKSLNNQ